The following is an entry in ClinVar:

ClinVar aggregate classification (germline): Likely benign (1 of 4 stars; one submission).

Conditions:
TRIM32-related disorder. Also called: TRIM32-related condition.

Submission:

PreventionGenetics, part of Exact Sciences
Classification: Likely benign for TRIM32-related condition. Last evaluated: 2025-11-04. Review status: criteria provided, single submitter. Criteria: ACMG Guidelines, 2015. Collection method: clinical testing. Allele origin: germline.
Comment: This variant is classified as likely benign based on ACMG/AMP sequence variant interpretation guidelines (Richards et al. 2015 PMID: 25741868, with internal and published modifications).

NM_012210.4(TRIM32):c.1848T>G (p.Leu616=)

Genes: ASTN2 (astrotactin 2; minus strand), TRIM32 (tripartite motif containing 32; plus strand). Cytogenetic location: 9q33.1.
Variant type: single nucleotide variant.
Coding change: c.1848T>G on transcript NM_012210.4 (MANE Select); coding-DNA position 1848, T replaced by G.
Protein change: p.Leu616=; no amino-acid change (leucine 616 retained).
Molecular consequence: synonymous variant. On other transcripts: intron variant (3).
Genome position (GRCh38, 1-based): chr9:116,699,590, T>G. VCF-style: chr9-116699590-T-G. GRCh37 (hg19) VCF-style: chr9-119461869-T-G.
Other names: c.1848T>G, p.Leu616= (NM_001099679.2, NM_001379048.1, NM_001379049.1 and 1 more transcripts); c.2653+26181A>C (NM_014010.5); c.2794+26181A>C (NM_001365069.1); c.2806+26181A>C (NM_001365068.1).
Identifiers: ClinVar variation 4996615 (VCV004996615.1).